The following is an entry in ClinVar:

NM_000612.6(IGF2):c.307-11T>G

Genes: IGF2 (insulin like growth factor 2; minus strand), INS-IGF2 (INS-IGF2 readthrough; minus strand). Cytogenetic location: 11p15.5.
Variant type: single nucleotide variant.
Coding change: c.307-11T>G on transcript NM_000612.6 (MANE Select); 11 bases into the intron before coding-DNA position 307, T replaced by G.
Molecular consequence: intron variant.
Genome position (GRCh38, 1-based): chr11:2,133,234, A>C on the plus strand (T>G on the coding strand, the complement: IGF2 is on the minus strand). VCF-style: chr11-2133234-A-C. GRCh37 (hg19) VCF-style: chr11-2154464-A-C.
Other names: c.307-11T>G (NM_001007139.6, NM_001291862.3, NM_001291861.3); c.475-11T>G (NM_001127598.3).
Identifiers: ClinVar variation 2869950 (VCV002869950.3), dbSNP rs2495572726, ClinGen allele CA2739276116.

ClinVar aggregate classification (germline): Uncertain significance (1 of 4 stars; one submission).

Submission:

Labcorp Genetics (formerly Invitae), Labcorp
Classification: Uncertain significance. Last evaluated: 2023-07-31. Review status: criteria provided, single submitter. Criteria: Invitae Variant Classification Sherloc (09022015). Collection method: clinical testing. Allele origin: germline.
Comment: In summary, the available evidence is currently insufficient to determine the role of this variant in disease. Therefore, it has been classified as a Variant of Uncertain Significance. Algorithms developed to predict the effect of sequence changes on RNA splicing suggest that this variant may disrupt the consensus splice site. This variant has not been reported in the literature in individuals affected with IGF2-related conditions. This variant is not present in population databases (gnomAD no frequency). This sequence change falls in intron 3 of the IGF2 gene. It does not directly change the encoded amino acid sequence of the IGF2 protein.